The following is an entry in ClinVar:

ClinVar aggregate classification (germline): Uncertain significance. Review status: criteria provided, multiple submitters, no conflicts (2 of 4 stars). 5 submissions from 5 submitters: Uncertain significance (5). Last evaluated 2025-08-28.

Conditions:
Inborn genetic diseases. Identifiers: MedGen C0950123, MeSH D030342.
Congenital sensory neuropathy with selective loss of small myelinated fibers (HSAN5). Also called: HSAN Type V. Identifiers: Orphanet 64752, MedGen C0020075, MONDO:0012092, OMIM 608654.

Allele frequency attached by ClinVar (database versions not stated): gnomAD exomes below 0.00001; gnomAD 0.00001; TOPMed 0.00001.
gnomAD v4.1: 3 of 1,614,080 alleles (0.00019%); highest among the groups gnomAD compares: Non-Finnish European, 0.00025%; no homozygotes.

Submissions (5):

Mayo Clinic Laboratories, Mayo Clinic
Classification: Uncertain significance. Last evaluated: 2025-08-28. Review status: criteria provided, single submitter. Criteria: ACMG Guidelines, 2015. Collection method: clinical testing. Allele origin: germline. Observed: 1 variant allele.

GeneDx
Classification: Uncertain significance. Last evaluated: 2025-07-03. Review status: criteria provided, single submitter. Criteria: GeneDx Variant Classification Process June 2021. Collection method: clinical testing. Allele origin: germline. Affected: yes.
Comment: Not observed at significant frequency in large population cohorts (gnomAD); In silico analysis supports that this missense variant has a deleterious effect on protein structure/function; Has not been previously published as pathogenic or benign to our knowledge

Ambry Genetics
Classification: Uncertain significance for Inborn genetic diseases. Last evaluated: 2025-03-27. Review status: criteria provided, single submitter. Criteria: Ambry Variant Classification Scheme 2023. Collection method: clinical testing. Allele origin: germline.

Genome-Nilou Lab
Classification: Uncertain significance for Congenital sensory neuropathy with selective loss of small myelinated fibers. Last evaluated: 2023-04-11. Review status: criteria provided, single submitter. Criteria: ACMG Guidelines, 2015. Collection method: clinical testing. Allele origin: germline. Affected: no.

Labcorp Genetics (formerly Invitae), Labcorp
Classification: Uncertain significance for Congenital sensory neuropathy with selective loss of small myelinated fibers. Last evaluated: 2022-07-15. Review status: criteria provided, single submitter. Criteria: Invitae Variant Classification Sherloc (09022015). Collection method: clinical testing. Allele origin: germline.
Comment: In summary, the available evidence is currently insufficient to determine the role of this variant in disease. Therefore, it has been classified as a Variant of Uncertain Significance. Algorithms developed to predict the effect of missense changes on protein structure and function (SIFT, PolyPhen-2, Align-GVGD) all suggest that this variant is likely to be disruptive. ClinVar contains an entry for this variant (Variation ID: 456631). This variant has not been reported in the literature in individuals affected with NGF-related conditions. This variant is not present in population databases (gnomAD no frequency). This sequence change replaces phenylalanine, which is neutral and non-polar, with cysteine, which is neutral and slightly polar, at codon 12 of the NGF protein (p.Phe12Cys).

NM_002506.3(NGF):c.35T>G (p.Phe12Cys)

Genes: NGF (nerve growth factor; minus strand), NGF-AS1 (NGF antisense RNA 1; plus strand). Cytogenetic location: 1p13.2.
Variant type: single nucleotide variant.
Coding change: c.35T>G on transcript NM_002506.3 (MANE Select); coding-DNA position 35, T replaced by G.
Protein change: p.Phe12Cys; replaces phenylalanine 12 with cysteine.
Molecular consequence: missense variant.
Genome position (GRCh38, 1-based): chr1:115,286,761, A>C on the plus strand (T>G on the coding strand, the complement: NGF is on the minus strand). VCF-style: chr1-115286761-A-C. GRCh37 (hg19) VCF-style: chr1-115829382-A-C.
Other names: p.Phe12Cys; short protein forms F12C.
Identifiers: ClinVar variation 456631 (VCV000456631.11), dbSNP rs1553234832, ClinGen allele CA341837375.
Genomic context (GRCh38, chr1:115,286,761, plus strand): 5'-ATGGTGTGTCCTGCAGGGACATTGCTCTCTGAGTGTGGTTCCGCCTGTATGCCGATCAGA[A>C]AAGCTGTGATCAGAGTGTAGAACAACATGGACATTACGCTATGCACCTGGAATGAAAAAG-3'
Protein context (NP_002497.2, residues 2-22): SMLFYTLITA[Phe12Cys]LIGIQAEPHS